The following is an entry in ClinVar:

NM_153766.3(KCNJ1):c.919del (p.Ala307fs)

Gene: KCNJ1 (potassium inwardly rectifying channel subfamily J member 1; minus strand). Cytogenetic location: 11q24.3.
Variant type: Deletion.
Coding change: c.919del on transcript NM_153766.3 (MANE Select); coding-DNA position 919, one base deleted (G; older notation c.919delG).
Protein change: p.Ala307fs; shifts the reading frame from alanine 307.
Molecular consequence: frameshift variant.
Genome position (GRCh38, 1-based): chr11:128,839,325, C deleted on the plus strand (G on the coding strand, the reverse complement: KCNJ1 is on the minus strand). VCF-style (leftmost placement, unchanged base first): chr11-128839324-GC-G. GRCh37 (hg19) VCF-style: chr11-128709219-GC-G.
Other names: c.976del, p.Ala326fs (NM_000220.6); c.919del, p.Ala307fs (NM_153764.3, NM_153767.4); c.970del, p.Ala324fs (NM_153765.3); short protein forms A307fs, A326fs, A324fs.
Identifiers: ClinVar variation 4700701 (VCV004700701.1).
Genomic context (GRCh38, chr11:128,839,324, plus strand): 5'-TTGCTAAAGTTATGGAAATCCACTCGGTATTTCCCTTCCTTTGTCTTGGATACTATGGGA[GC>G]AAAACGGTAGCCCCAAAGCACCTCCTCTGGGACATAGGATGTCCGGACTTGGCAGGTAGC-3'

ClinVar aggregate classification (germline): Pathogenic (1 of 4 stars; one submission).

Submission:

Labcorp Genetics (formerly Invitae), Labcorp
Classification: Pathogenic. Last evaluated: 2025-12-18. Review status: criteria provided, single submitter. Criteria: Invitae Variant Classification Sherloc (09022015). Collection method: clinical testing. Allele origin: germline.
Comment: This sequence change creates a premature translational stop signal (p.Ala326Leufs*3) in the KCNJ1 gene. While this is not anticipated to result in nonsense mediated decay, it is expected to disrupt the last 66 amino acid(s) of the KCNJ1 protein. This variant is not present in population databases (gnomAD no frequency). This variant has not been reported in the literature in individuals affected with KCNJ1-related conditions. This variant disrupts a region of the KCNJ1 protein in which other variant(s) (p.His354Serfs*8) have been determined to be pathogenic (PMID: 11318951). This suggests that this is a clinically significant region of the protein, and that variants that disrupt it are likely to be disease-causing. For these reasons, this variant has been classified as Pathogenic.

Literature cited by the submitters: PubMed 11318951.